The following is an entry in ClinVar:

ClinVar aggregate classification (germline): Uncertain significance (1 of 4 stars; one submission).

Conditions:
Hereditary cancer-predisposing syndrome. Also called: Tumor predisposition; Hereditary Cancer Syndrome; Neoplastic Syndromes, Hereditary; Hereditary neoplastic syndrome. Identifiers: Orphanet 140162, MedGen C0027672, MeSH D009386, MONDO:0015356.

Submission:

Ambry Genetics
Classification: Uncertain significance for Hereditary cancer-predisposing syndrome. Last evaluated: 2019-10-28. Review status: criteria provided, single submitter. Criteria: Ambry Variant Classification Scheme 2023. Collection method: clinical testing. Allele origin: germline.
Comment: The p.Q1007E variant (also known as c.3019C>G), located in coding exon 18 of the DICER1 gene, results from a C to G substitution at nucleotide position 3019. The glutamine at codon 1007 is replaced by glutamic acid, an amino acid with highly similar properties. This amino acid position is highly conserved in available vertebrate species. In addition, the in silico prediction for this alteration is inconclusive. Since supporting evidence is limited at this time, the clinical significance of this alteration remains unclear.

NM_177438.3(DICER1):c.3019C>G (p.Gln1007Glu)

Gene: DICER1 (dicer 1, ribonuclease III; minus strand). Cytogenetic location: 14q32.13.
Variant type: single nucleotide variant.
Coding change: c.3019C>G on transcript NM_177438.3 (MANE Select); coding-DNA position 3019, C replaced by G.
Protein change: p.Gln1007Glu; replaces glutamine 1007 with glutamic acid.
Molecular consequence: missense variant.
Genome position (GRCh38, 1-based): chr14:95,105,752, G>C on the plus strand (C>G on the coding strand, the complement: DICER1 is on the minus strand). VCF-style: chr14-95105752-G-C. GRCh37 (hg19) VCF-style: chr14-95572089-G-C.
Other names: c.3019C>G, p.Gln1007Glu (NM_001195573.1, NM_001271282.3, NM_001291628.2 and 1 more transcripts); short protein forms Q1007E.
Identifiers: ClinVar variation 822595 (VCV000822595.4), dbSNP rs1131691189, ClinGen allele CA390878425.